The following is an entry in ClinVar:

NM_001267550.2(TTN):c.66222dup (p.Ser22075fs)

Genes: TTN (titin; minus strand), TTN-AS1 (TTN antisense RNA 1; plus strand). Cytogenetic location: 2q31.2.
Variant type: Duplication.
Coding change: c.66222dup on transcript NM_001267550.2 (MANE Select); coding-DNA position 66222, one base duplicated (C; older notation c.66222dupC).
Protein change: p.Ser22075fs; shifts the reading frame from serine 22075.
Molecular consequence: frameshift variant.
Genome position (GRCh38, 1-based): chr2:178,582,147, G duplicated on the plus strand (C on the coding strand, the reverse complement: TTN is on the minus strand). VCF-style (leftmost placement, unchanged base first): chr2-178582146-T-TG. GRCh37 (hg19) VCF-style: chr2-179446873-T-TG.
Other names: c.61299dup, p.Ser20434fs (NM_001256850.1); c.39027dup, p.Ser13010fs (NM_003319.4); c.58518dup, p.Ser19507fs (NM_133378.4); c.39402dup, p.Ser13135fs (NM_133432.3); c.39603dup, p.Ser13202fs (NM_133437.4); c.39027dupC (NM_003319.4); short protein forms S19507fs, S20434fs, S13135fs, S22075fs, S13202fs, S13010fs.
Identifiers: ClinVar variation 3463798 (VCV003463798.1).

ClinVar aggregate classification (germline): Likely pathogenic (1 of 4 stars; one submission).

Conditions:
Cardiovascular phenotype. Identifiers: MedGen CN230736.

Submission:

Ambry Genetics
Classification: Likely pathogenic for Cardiovascular phenotype. Last evaluated: 2024-10-15. Review status: criteria provided, single submitter. Criteria: Ambry Variant Classification Scheme 2023. Collection method: clinical testing. Allele origin: germline.
Comment: The c.39027dupC variant, located in coding exon 142 of the TTN gene, results from a duplication of C at nucleotide position 39027, causing a translational frameshift with a predicted alternate stop codon (p.S13010Qfs*8). This exon is located in the A-band region of the N2-B isoform of the titin protein and is constitutively expressed in TTN transcripts (percent spliced in or PSI 100%). This variant is considered to be rare based on population cohorts in the Genome Aggregation Database (gnomAD). This alteration is expected to result in loss of function by premature protein truncation or nonsense-mediated mRNA decay. While truncating variants in TTN are present in 1-3% of the general population, truncating variants in the A-band are the most common cause of dilated cardiomyopathy (DCM) (Herman DS et al. N. Engl. J. Med., 2012 Feb;366:619-28; Roberts AM et al. Sci Transl Med, 2015 Jan;7:270ra6). TTN truncating variants encoded in constitutive exons (PSI >90%) have been found to be significantly associated with DCM regardless of their position in titin (Schafer S et al. Nat. Genet., 2017 01;49:46-53). Based on the majority of available evidence to date, this variant is likely to be pathogenic.